The following is an entry in ClinVar:

ClinVar aggregate classification (germline): Uncertain significance (1 of 4 stars; one submission).

Allele frequency attached by ClinVar (database versions not stated): gnomAD 0.00001; TOPMed 0.00002; gnomAD exomes below 0.00001.
gnomAD v4.1: 3 of 1,605,884 alleles (0.00019%); highest among the groups gnomAD compares: African/African-American, 0.004%; no homozygotes.

Submission:

Labcorp Genetics (formerly Invitae), Labcorp
Classification: Uncertain significance. Last evaluated: 2022-07-12. Review status: criteria provided, single submitter. Criteria: Invitae Variant Classification Sherloc (09022015). Collection method: clinical testing. Allele origin: germline.
Comment: This sequence change replaces glutamic acid, which is acidic and polar, with alanine, which is neutral and non-polar, at codon 301 of the FAT4 protein (p.Glu301Ala). This variant is present in population databases (no rsID available, gnomAD 0.007%). This variant has not been reported in the literature in individuals affected with FAT4-related conditions. ClinVar contains an entry for this variant (Variation ID: 1516472). Advanced modeling of protein sequence and biophysical properties (such as structural, functional, and spatial information, amino acid conservation, physicochemical variation, residue mobility, and thermodynamic stability) performed at Invitae indicates that this missense variant is not expected to disrupt FAT4 protein function. In summary, the available evidence is currently insufficient to determine the role of this variant in disease. Therefore, it has been classified as a Variant of Uncertain Significance.

NM_001291303.3(FAT4):c.902A>C (p.Glu301Ala)

Gene: FAT4 (FAT atypical cadherin 4; plus strand). Cytogenetic location: 4q28.1.
Variant type: single nucleotide variant.
Coding change: c.902A>C on transcript NM_001291303.3 (MANE Select); coding-DNA position 902, A replaced by C.
Protein change: p.Glu301Ala; replaces glutamic acid 301 with alanine.
Molecular consequence: missense variant.
Genome position (GRCh38, 1-based): chr4:125,317,313, A>C. VCF-style: chr4-125317313-A-C. GRCh37 (hg19) VCF-style: chr4-126238468-A-C.
Other names: c.902A>C, p.Glu301Ala (NM_001291285.3, NM_024582.6); short protein forms E301A.
Identifiers: ClinVar variation 1516472 (VCV001516472.7), dbSNP rs896894192, ClinGen allele CA104861621.
Genomic context (GRCh38, chr4:125,317,313, plus strand): 5'-CCAACGCGGACATCCGCTATCGCCTGCAGGACGAGGGGACCCCCTTCCAAATGGACCCTG[A>C]GACGGGACTTATCACGGTGCGGGAGCCCCTGGACTTCGAAGCTCGGCGCCAATACTCGCT-3'
Protein context (NP_001278232.1, residues 291-311): DEGTPFQMDP[Glu301Ala]TGLITVREPL